The following is an entry in ClinVar:

NM_001754.5(RUNX1):c.716G>T (p.Ser239Ile)

Gene: RUNX1 (RUNX family transcription factor 1; minus strand). Cytogenetic location: 21q22.12.
Variant type: single nucleotide variant.
Coding change: c.716G>T on transcript NM_001754.5 (MANE Select); coding-DNA position 716, G replaced by T.
Protein change: p.Ser239Ile; replaces serine 239 with isoleucine.
Molecular consequence: missense variant.
Genome position (GRCh38, 1-based): chr21:34,834,499, C>A on the plus strand (G>T on the coding strand, the complement: RUNX1 is on the minus strand). VCF-style: chr21-34834499-C-A. GRCh37 (hg19) VCF-style: chr21-36206796-C-A.
Other names: NM_001754.5(RUNX1):c.716G>T; p.Ser239Ile; c.635G>T, p.Ser212Ile (NM_001001890.3, NM_001122607.2); short protein forms S212I, S239I.
Identifiers: ClinVar variation 2893433 (VCV002893433.5), dbSNP rs2146075803, ClinGen allele CA410206837.
Genomic context (GRCh38, chr21:34,834,499, plus strand): 5'-AAGGCAGTGGAGTGGTTCAGGGAGGCACGAGGGTTGGGCGTGGGGGCTGGGTGGTGTGGG[C>A]TGACCCTCATGGCTGTGCGCCGCAGCTGCTCCAGTTCACTGAGCCGCTCGGAAAAGGACA-3'
Protein context (NP_001745.2, residues 229-249): EQLRRTAMRV[Ser239Ile]PHHPAPTPNP

ClinVar aggregate classification (germline): Uncertain significance. Review status: reviewed by expert panel (3 of 4 stars). 3 submissions from 3 submitters: Uncertain significance (1). 2 of the submissions do not count toward it. Last evaluated 2024-09-30.

Conditions:
Inborn genetic diseases. Identifiers: MedGen C0950123, MeSH D030342.
Hereditary thrombocytopenia and hematological cancer predisposition syndrome associated with RUNX1. Also called: Familial Platelet Disorder with Propensity to Acute Myelogenous Leukemia; Familial thrombocytopenia with propensity to acute myelogenous leukemia; PLATELET DISORDER, ASPIRIN-LIKE; RUNX1 Familial Platelet Disorder with Associated Myeloid Malignancies. Identifiers: Orphanet 71290, MedGen C1832388, MeSH C563324, MONDO:0100083, OMIM 601399.
Hereditary thrombocytopenia and hematologic cancer predisposition syndrome. Identifiers: Orphanet 71290, MedGen CN281654, MONDO:0011071.

Allele frequency attached by ClinVar (database versions not stated): gnomAD exomes below 0.00001.
gnomAD v4.1: 1 of 1,613,416 alleles (0.000062%); highest among the groups gnomAD compares: Non-Finnish European, 0.000085%; no homozygotes.

Submissions (3):

ClinGen Myeloid Malignancy Variant Curation Expert Panel
Classification: Uncertain significance for Hereditary thrombocytopenia and hematologic cancer predisposition syndrome. Last evaluated: 2024-09-30. Review status: reviewed by expert panel. Criteria: ClinGen MyeloMalig ACMG Specifications v2. Collection method: curation. Allele origin: germline. Inheritance: Autosomal dominant inheritance.
Comment: NM_001754.5(RUNX1):c.716G>T (p.Ser239Ile) is a missense variant which is completely absent from all population databases with at least 20x coverage for RUNX1 (PM2_Supporting). In summary, the clinical significance of this variant is uncertain. ACMG/AMP criteria applied, as specified by the Myeloid Malignancy Variant Curation Expert Panel for RUNX1: PM2_supporting.

Ambry Genetics
Classification: Uncertain significance for Inborn genetic diseases. Last evaluated: 2025-05-15. Review status: criteria provided, single submitter. Criteria: Ambry Variant Classification Scheme 2023. Collection method: clinical testing. Allele origin: germline. Not counted in ClinVar's aggregate classification.
Comment: The p.S239I variant (also known as c.716G>T), located in coding exon 6 of the RUNX1 gene, results from a G to T substitution at nucleotide position 716. The serine at codon 239 is replaced by isoleucine, an amino acid with dissimilar properties. This amino acid position is conserved. In addition, this alteration is predicted to be deleterious by in silico analysis. Based on the available evidence, the clinical significance of this variant remains unclear.

Labcorp Genetics (formerly Invitae), Labcorp
Classification: Uncertain significance for Hereditary thrombocytopenia and hematological cancer predisposition syndrome associated with RUNX1. Last evaluated: 2022-12-27. Review status: criteria provided, single submitter. Criteria: Invitae Variant Classification Sherloc (09022015). Collection method: clinical testing. Allele origin: germline. Not counted in ClinVar's aggregate classification.
Comment: This sequence change replaces serine, which is neutral and polar, with isoleucine, which is neutral and non-polar, at codon 239 of the RUNX1 protein (p.Ser239Ile). This variant is not present in population databases (gnomAD no frequency). This variant has not been reported in the literature in individuals affected with RUNX1-related conditions. Advanced modeling of protein sequence and biophysical properties (such as structural, functional, and spatial information, amino acid conservation, physicochemical variation, residue mobility, and thermodynamic stability) performed at Invitae indicates that this missense variant is not expected to disrupt RUNX1 protein function. In summary, the available evidence is currently insufficient to determine the role of this variant in disease. Therefore, it has been classified as a Variant of Uncertain Significance.